The following is an entry in ClinVar:

ClinVar aggregate classification (germline): Uncertain significance (1 of 4 stars; one submission).

Conditions:
Cardiovascular phenotype. Identifiers: MedGen CN230736.

Submission:

Ambry Genetics
Classification: Uncertain significance for Cardiovascular phenotype. Last evaluated: 2025-02-27. Review status: criteria provided, single submitter. Criteria: Ambry Variant Classification Scheme 2023. Collection method: clinical testing. Allele origin: germline.
Comment: The p.S57Y variant (also known as c.170C>A), located in coding exon 1 of the HCN4 gene, results from a C to A substitution at nucleotide position 170. The serine at codon 57 is replaced by tyrosine, an amino acid with dissimilar properties. This amino acid position is conserved. In addition, the in silico prediction for this alteration is inconclusive. Based on the available evidence, the clinical significance of this variant remains unclear.

NM_005477.3(HCN4):c.170C>A (p.Ser57Tyr)

Gene: HCN4 (hyperpolarization activated cyclic nucleotide gated potassium channel 4; minus strand). Cytogenetic location: 15q24.1.
Variant type: single nucleotide variant.
Coding change: c.170C>A on transcript NM_005477.3 (MANE Select); coding-DNA position 170, C replaced by A.
Protein change: p.Ser57Tyr; replaces serine 57 with tyrosine.
Molecular consequence: missense variant.
Genome position (GRCh38, 1-based): chr15:73,368,101, G>T on the plus strand (C>A on the coding strand, the complement: HCN4 is on the minus strand). VCF-style: chr15-73368101-G-T. GRCh37 (hg19) VCF-style: chr15-73660442-G-T.
Other names: short protein forms S57Y.
Identifiers: ClinVar variation 3856999 (VCV003856999.1).